The following is an entry in ClinVar:

NC_000010.10:g.(?_97402729)_(97413134_?)dup

Gene: ALDH18A1 (aldehyde dehydrogenase 18 family member A1; minus strand). Cytogenetic location: 10q24.1.
Variant type: Duplication.
Identifiers: ClinVar variation 3244835 (VCV003244835.1).

ClinVar aggregate classification (germline): Uncertain significance (1 of 4 stars; one submission).

Conditions:
de Barsy syndrome. Also called: Cutis laxa-corneal clouding-oligophrenia syndrome. Identifiers: Orphanet 2962, MedGen C0268354, MONDO:0017569.
Cutis laxa, autosomal dominant 3 (ADCL3). Identifiers: Orphanet 90348, MedGen C4225268, MONDO:0014706, OMIM 616603.
Autosomal dominant spastic paraplegia type 9. Identifiers: MedGen C1832669, MONDO:0015091.

Submission:

Labcorp Genetics (formerly Invitae), Labcorp
Classification: Uncertain significance for Autosomal dominant spastic paraplegia type 9; de Barsy syndrome; Cutis laxa, autosomal dominant 3. Last evaluated: 2023-05-09. Review status: criteria provided, single submitter. Criteria: Invitae Variant Classification Sherloc (09022015). Collection method: clinical testing. Allele origin: unknown.
Comment: In summary, the available evidence is currently insufficient to determine the role of this variant in disease. Therefore, it has been classified as a Variant of Uncertain Significance. This variant has not been reported in the literature in individuals affected with ALDH18A1-related conditions. This variant results in a copy number gain of the genomic region encompassing exon(s) 2-3 of the ALDH18A1 gene. This region includes the initiator codon of the gene. This copy number gain extends beyond the assayed region for this gene and therefore may encompass additional genes. As the precise location of this event is unknown, it may be in tandem or it may be located elsewhere in the genome.